The following is an entry in ClinVar:

NM_000443.4(ABCB4):c.1954A>G (p.Arg652Gly)

Gene: ABCB4 (ATP binding cassette subfamily B member 4; minus strand). Cytogenetic location: 7q21.12.
Variant type: single nucleotide variant.
Coding change: c.1954A>G on transcript NM_000443.4 (MANE Select); coding-DNA position 1954, A replaced by G.
Protein change: p.Arg652Gly; replaces arginine 652 with glycine.
Molecular consequence: missense variant.
Genome position (GRCh38, 1-based): chr7:87,426,860, T>C on the plus strand (A>G on the coding strand, the complement: ABCB4 is on the minus strand). VCF-style: chr7-87426860-T-C. GRCh37 (hg19) VCF-style: chr7-87056176-T-C.
Other names: NM_000443.3(ABCB4):c.1954A>G(p.Arg652Gly); NM_018849.2(ABCB4):c.1954A>G(p.Arg652Gly); NM_018850.2(ABCB4):c.1954A>G(p.Arg652Gly); c.1954A>G, p.Arg652Gly (NM_018849.3, NM_018850.3); short protein forms R652G.
Identifiers: ClinVar variation 256160 (VCV000256160.21), dbSNP rs2230028, ClinGen allele CA4327157.

ClinVar aggregate classification (germline): Benign/Likely benign. Review status: criteria provided, multiple submitters, no conflicts (2 of 4 stars). 12 submissions from 11 submitters: Benign (10); Likely benign (2). Last evaluated 2026-04-14.

Conditions:
Familial intrahepatic cholestasis. Identifiers: Orphanet 284385, MedGen CN296401, MONDO:0017290.
Low phospholipid associated cholelithiasis (GBD1). Also called: Gallstone cholecystitis; Gallbladder disease 1. Identifiers: Orphanet 69663, MedGen C2609268, MONDO:0010939, OMIM 600803.
Cholestasis, intrahepatic, of pregnancy, 3. Identifiers: Orphanet 69665, MedGen C3554241, MONDO:0013995, OMIM 614972.
Progressive familial intrahepatic cholestasis type 3. Also called: Low Gamma-GT Familial Intrahepatic Cholestasis; MDR3 DEFICIENCY. Identifiers: Orphanet 79305, MedGen C1865643, MONDO:0011214, OMIM 602347.

Allele frequency attached by ClinVar (database versions not stated): gnomAD exomes 0.08237 and 0.09983; ExAC 0.10565; gnomAD 0.15378 and 0.15795; TOPMed 0.16004; ESP Exome Variant Server 0.16854; 1000 Genomes Project 0.17033; 1000 Genomes Project 30x 0.17411.
gnomAD v4.1: 144,410 of 1,613,710 alleles (8.9%); highest among the groups gnomAD compares: African/African-American, 35%; 9,653 homozygotes.

Submissions (12):

Genomenon, Inc
Classification: Benign for Familial intrahepatic cholestasis; Low phospholipid associated cholelithiasis. Last evaluated: 2026-04-14. Review status: criteria provided, single submitter. Criteria: Genomenon Sequence Variant Interpretation Standards - Updated. Collection method: curation. Allele origin: germline. Affected: no.
Comment: ABCB4 p.Arg652Gly (c.1954A>G) is a missense variant that changes the amino acid at residue 652 from Arginine to Glycine. This variant is present at high allele frequency in population databases. In silico models predict that this variant is not damaging. We classify ABCB4 p.Arg652Gly (c.1954A>G) as a benign variant.

Labcorp Genetics (formerly Invitae), Labcorp
Classification: Benign. Last evaluated: 2026-02-04. Review status: criteria provided, single submitter. Criteria: Invitae Variant Classification Sherloc (09022015). Collection method: clinical testing. Allele origin: germline.

Center for Genomic Medicine, Rigshospitalet, Copenhagen University Hospital
Classification: Benign. Last evaluated: 2025-12-29. Review status: criteria provided, single submitter. Criteria: ACMG Guidelines, 2015. Collection method: clinical testing. Allele origin: germline.
Comment: Classification criteria: BA1

Mayo Clinic Laboratories, Mayo Clinic
Classification: Benign. Last evaluated: 2024-12-10. Review status: criteria provided, single submitter. Criteria: ACMG Guidelines, 2015. Collection method: clinical testing. Allele origin: germline. Observed: 129 variant alleles.

Women's Health and Genetics/Laboratory Corporation of America, LabCorp
Classification: Likely benign. Last evaluated: 2021-12-03. Review status: criteria provided, single submitter. Criteria: LabCorp Variant Classification Summary - May 2015. Collection method: clinical testing. Allele origin: germline.

SIB Swiss Institute of Bioinformatics
Classification: Benign for Progressive familial intrahepatic cholestasis type 3. Last evaluated: 2018-05-31. Review status: criteria provided, single submitter. Criteria: ACMG Guidelines, 2015. Collection method: curation. Allele origin: unknown.
Comment: This variant is interpreted as a Benign - Stand Alone, for PFIC3, in Autosomal Recessive manner. The following ACMG Tag(s) were applied: BA1 => Allele frequency is >5% in Exome Sequencing Project, 1000 Genomes Project, or Exome Aggregation Consortium. BS2 => Observed in a healthy adult individual for a recessive (homozygous), dominant (heterozygous), or X-linked (hemizygous) disorder, with full penetrance expected at an early age.

Illumina Laboratory Services, Illumina
Classification: Benign for Progressive familial intrahepatic cholestasis type 3. Last evaluated: 2017-04-27. Review status: criteria provided, single submitter. Criteria: ICSL Variant Classification Criteria 13 December 2019. Collection method: clinical testing. Allele origin: germline.
Comment: This variant was observed as part of a predisposition screen in an ostensibly healthy population. A literature search was performed for the gene, cDNA change, and amino acid change (where applicable). No publications were found based on this search. Allele frequency data from public databases was too high to be consistent with this variant causing disease. Therefore, this variant is classified as benign.

Illumina Laboratory Services, Illumina
Classification: Benign for Cholestasis, intrahepatic, of pregnancy, 3. Last evaluated: 2017-04-27. Review status: criteria provided, single submitter. Criteria: ICSL Variant Classification Criteria 13 December 2019. Collection method: clinical testing. Allele origin: germline.
Comment: the same text as in the submission from Illumina Laboratory Services, Illumina above.

Eurofins Ntd Llc (ga)
Classification: Benign. Last evaluated: 2016-07-13. Review status: criteria provided, single submitter. Criteria: EGL Classification Definitions 2015. Collection method: clinical testing. Allele origin: germline. Observed: 1 variant allele, 1 homozygote.

GeneDx
Classification: Benign. Last evaluated: 2016-01-08. Review status: criteria provided, single submitter. Criteria: GeneDx Variant Classification (06012015). Collection method: clinical testing. Allele origin: germline. Affected: yes.
Comment: This variant is considered likely benign or benign based on one or more of the following criteria: it is a conservative change, it occurs at a poorly conserved position in the protein, it is predicted to be benign by multiple in silico algorithms, and/or has population frequency not consistent with disease.

Breakthrough Genomics
Classification: Likely benign. Review status: criteria provided, single submitter. Criteria: ACMG Guidelines, 2015. Collection method: not provided. Allele origin: germline. Inheritance: Autosomal recessive inheritance. Affected: yes.

PreventionGenetics, part of Exact Sciences
Classification: Benign. Review status: criteria provided, single submitter. Criteria: ACMG Guidelines, 2015. Collection method: clinical testing. Allele origin: germline.